The following is an entry in ClinVar:

NM_000179.3(MSH6):c.2044T>G (p.Ser682Ala)

Gene: MSH6 (mutS homolog 6; plus strand). Cytogenetic location: 2p16.3.
Variant type: single nucleotide variant.
Coding change: c.2044T>G on transcript NM_000179.3 (MANE Select); coding-DNA position 2044, T replaced by G.
Protein change: p.Ser682Ala; replaces serine 682 with alanine.
Molecular consequence: missense variant. On other transcripts: non-coding transcript variant (5), intron variant (2).
Genome position (GRCh38, 1-based): chr2:47,800,027, T>G. VCF-style: chr2-47800027-T-G. GRCh37 (hg19) VCF-style: chr2-48027166-T-G.
Other names: c.1747T>G, p.Ser583Ala (NM_001406797.1, NM_001406801.1, NM_001406805.1 and 10 more transcripts); c.2044T>G, p.Ser682Ala (NM_001406798.1, NM_001406800.1, NM_001406803.1 and 3 more transcripts); c.1519T>G, p.Ser507Ala (NM_001406799.1, NM_001406806.1, NM_001406807.1); c.2140T>G, p.Ser714Ala (NM_001406802.1, NM_001406795.1); c.1966T>G, p.Ser656Ala (NM_001406804.1); c.1138T>G, p.Ser380Ala (NM_001406823.1, NM_001406829.1, NM_001281493.2 and 6 more transcripts); c.1876T>G, p.Ser626Ala (NM_001406826.1); c.1606+438T>G (NM_001406817.1); and 3 more; short protein forms S507A, S552A, S682A, S626A, S656A, S380A, S714A, S583A.
Identifiers: ClinVar variation 2707953 (VCV002707953.3), dbSNP rs2104385634, ClinGen allele CA346750749.

ClinVar aggregate classification (germline): Uncertain significance (1 of 4 stars; one submission).

Conditions:
Hereditary nonpolyposis colorectal neoplasms. Identifiers: MedGen C0009405, MeSH D003123.

Submission:

Labcorp Genetics (formerly Invitae), Labcorp
Classification: Uncertain significance for Hereditary nonpolyposis colorectal neoplasms. Last evaluated: 2024-01-06. Review status: criteria provided, single submitter. Criteria: Invitae Variant Classification Sherloc (09022015). Collection method: clinical testing. Allele origin: germline.
Comment: This sequence change replaces serine, which is neutral and polar, with alanine, which is neutral and non-polar, at codon 682 of the MSH6 protein (p.Ser682Ala). This variant is not present in population databases (gnomAD no frequency). This variant has not been reported in the literature in individuals affected with MSH6-related conditions. Advanced modeling of protein sequence and biophysical properties (such as structural, functional, and spatial information, amino acid conservation, physicochemical variation, residue mobility, and thermodynamic stability) has been performed at Invitae for this missense variant, however the output from this modeling did not meet the statistical confidence thresholds required to predict the impact of this variant on MSH6 protein function. In summary, the available evidence is currently insufficient to determine the role of this variant in disease. Therefore, it has been classified as a Variant of Uncertain Significance.